The following is an entry in ClinVar:

ClinVar aggregate classification (germline): Conflicting classifications of pathogenicity. Review status: criteria provided, conflicting classifications (1 of 4 stars). 2 submissions from 2 submitters: Uncertain significance (1); Benign (1). Last evaluated 2024-05-02.

Conditions:
Rhabdoid tumor predisposition syndrome 2 (RTPS2). Identifiers: Orphanet 231108, Orphanet 69077, MedGen C2750074, MONDO:0013224, OMIM 613325.

Submissions (2):

Labcorp Genetics (formerly Invitae), Labcorp
Classification: Benign for Rhabdoid tumor predisposition syndrome 2. Last evaluated: 2024-05-02. Review status: criteria provided, single submitter. Criteria: Invitae Variant Classification Sherloc (09022015). Collection method: clinical testing. Allele origin: germline.

Quest Diagnostics Nichols Institute San Juan Capistrano
Classification: Uncertain significance. Last evaluated: 2024-04-30. Review status: criteria provided, single submitter. Criteria: Quest Diagnostics criteria. Collection method: clinical testing. Allele origin: unknown.
Comment: The SMARCA4 c.1813-4dup variant has not been reported in individuals with SMARCA4-related conditions in the published literature. It also has not been reported in large, multi-ethnic general populations (Genome Aggregation Database). Analysis of this variant using software algorithms for the prediction of the effect of nucleotide changes on splicing yielded predictions that this variant does not affect SMARCA4 mRNA splicing. Based on the available information, we are unable to determine the clinical significance of this variant.

NM_003072.5(SMARCA4):c.1813-4dup

Gene: SMARCA4 (SWI/SNF related BAF chromatin remodeling complex subunit ATPase 4; plus strand). Cytogenetic location: 19p13.2.
Variant type: Duplication.
Coding change: c.1813-4dup on transcript NM_003072.5 (MANE Select); 4 bases into the intron before coding-DNA position 1813, one base duplicated (T; older notation c.1813-4dupT).
Molecular consequence: intron variant.
Genome position (GRCh38, 1-based): chr19:11,003,025, T duplicated; the last of 5 consecutive T bases (chr19:11,003,021-11,003,025); duplicating any one gives the same sequence. VCF-style (leftmost placement, unchanged base first): chr19-11003020-C-CT. GRCh37 (hg19) VCF-style: chr19-11113696-C-CT.
Other names: c.1813-4dup (NM_001128844.3, NM_001128849.3, NM_001128847.4 and 6 more transcripts).
Identifiers: ClinVar variation 1169405 (VCV001169405.10), dbSNP rs1864896196, ClinGen allele CA2499225275.